The following is an entry in ClinVar:

NM_001572.5(IRF7):c.327G>A (p.Arg109=)

Gene: IRF7 (interferon regulatory factor 7; minus strand). Cytogenetic location: 11p15.5.
Variant type: single nucleotide variant.
Coding change: c.327G>A on transcript NM_001572.5 (MANE Select); coding-DNA position 327, G replaced by A.
Protein change: p.Arg109=; no amino-acid change (arginine 109 retained).
Molecular consequence: synonymous variant.
Genome position (GRCh38, 1-based): chr11:614,864, C>T on the plus strand (G>A on the coding strand, the complement: IRF7 is on the minus strand). VCF-style: chr11-614864-C-T. GRCh37 (hg19) VCF-style: chr11-614864-C-T.
Other names: p.Arg122=; c.366G>A (NM_004031.2); c.327G>A, p.Arg109= (NM_004029.4); c.366G>A, p.Arg122= (NM_004031.4).
Identifiers: ClinVar variation 1170389 (VCV001170389.18), dbSNP rs1061501, ClinGen allele CA5783996.

ClinVar aggregate classification (germline): Benign. Review status: criteria provided, multiple submitters, no conflicts (2 of 4 stars). 6 submissions from 6 submitters: Benign (6). Last evaluated 2026-02-04.

Conditions:
Immunodeficiency 39 (IMD39). Identifiers: Orphanet 574918, MedGen C4225358, MONDO:0014597, OMIM 616345.

Allele frequency attached by ClinVar (database versions not stated): TOPMed 0.84183; gnomAD exomes 0.85720 and 0.83391; 1000 Genomes Project 0.81669; ExAC 0.86075; ESP Exome Variant Server 0.86992; 1000 Genomes Project 30x 0.81996; gnomAD 0.84507 and 0.84827.
gnomAD v4.1: 1,346,957 of 1,573,410 alleles (86%); highest among the groups gnomAD compares: Middle Eastern, 88%; 577,479 homozygotes.

Submissions (6):

Labcorp Genetics (formerly Invitae), Labcorp
Classification: Benign for Immunodeficiency 39. Last evaluated: 2026-02-04. Review status: criteria provided, single submitter. Criteria: Invitae Variant Classification Sherloc (09022015). Collection method: clinical testing. Allele origin: germline.

Unidad de Genómica Garrahan, Hospital de Pediatría Garrahan
Classification: Benign. Last evaluated: 2024-01-24. Review status: criteria provided, single submitter. Criteria: ACMG Guidelines, 2015. Collection method: clinical testing. Allele origin: germline. Affected: no. Observed: 91 variant alleles.
Comment: This variant is classified as Benign based on local population frequency. This variant was detected in 96% of patients studied by a panel of primary immunodeficiencies. Number of patients: 91. Only high quality variants are reported.

Mayo Clinic Laboratories, Mayo Clinic
Classification: Benign. Last evaluated: 2022-09-06. Review status: criteria provided, single submitter. Criteria: ACMG Guidelines, 2015. Collection method: clinical testing. Allele origin: germline. Observed: 4 variant alleles.

Genome-Nilou Lab
Classification: Benign for Immunodeficiency 39. Last evaluated: 2021-07-14. Review status: criteria provided, single submitter. Criteria: ACMG Guidelines, 2015. Collection method: clinical testing. Allele origin: germline. Affected: no.

GeneDx
Classification: Benign. Last evaluated: 2020-04-07. Review status: criteria provided, single submitter. Criteria: GeneDx Variant Classification Process June 2021. Collection method: clinical testing. Allele origin: germline. Affected: yes.

Breakthrough Genomics
Classification: Benign. Review status: criteria provided, single submitter. Criteria: ACMG Guidelines, 2015. Collection method: not provided. Allele origin: germline. Inheritance: Autosomal recessive inheritance. Affected: yes.